The following is an entry in ClinVar:

ClinVar aggregate classification (germline): Conflicting classifications of pathogenicity. Review status: criteria provided, conflicting classifications (1 of 4 stars). 6 submissions from 6 submitters: Uncertain significance (3); Likely benign (3). Last evaluated 2026-01-30.

Conditions:
Autoinflammatory syndrome. Identifiers: Orphanet 93665, MedGen C3890737, MONDO:0019751.
Psoriasis 2. Identifiers: MedGen C1864497, MONDO:0011269, OMIM 602723.
Pityriasis rubra pilaris (PRP). Also called: Pityriasis rubra pilaris--familial type. Identifiers: Orphanet 2897, MedGen C0032027, MONDO:0100017, OMIM 173200, MONDO:0008251.

Allele frequency attached by ClinVar (database versions not stated): ESP Exome Variant Server 0.00031; 1000 Genomes Project 30x 0.00047; gnomAD exomes 0.00047; gnomAD 0.00052 and 0.00056; TOPMed 0.00057; 1000 Genomes Project 0.00060; ExAC 0.00078.
gnomAD v4.1: 1,070 of 1,565,916 alleles (0.068%); highest among the groups gnomAD compares: Non-Finnish European, 0.083%; 1 homozygote.

Submissions (6):

Women's Health and Genetics/Laboratory Corporation of America, LabCorp
Classification: Likely benign. Last evaluated: 2026-01-30. Review status: criteria provided, single submitter. Criteria: LabCorp Variant Classification Summary - May 2015. Collection method: clinical testing. Allele origin: germline.
Comment: Variant summary: CARD14 c.589G>A (p.Glu197Lys) results in a conservative amino acid change in the encoded protein sequence. Algorithms developed to predict the effect of missense changes on protein structure and function are either unavailable or do not agree on the potential impact of this missense change. The variant allele was found at a frequency of 0.00047 in 172998 control chromosomes (gnomAD). The observed variant frequency exceeds the estimated maximal expected allele frequency for disease-causing variants in CARD14. c.589G>A has been observed in individuals affected with clinical features of CARD14-related disorders (Ammar_2016, Quaio_2020, Niaouris_2023). These reports do not provide unequivocal conclusions about association of the variant with Pityriasis rubra pilaris. At least one publication reports experimental evidence evaluating an impact on protein function, however, does not allow convincing conclusions about the variant effect (Ammar_2016). The following publications have been ascertained in the context of this evaluation (PMID: 26358359, 36174714, 33258288). ClinVar contains an entry for this variant (Variation ID: 420946). Based on the evidence outlined above, the variant was classified as likely benign.

Labcorp Genetics (formerly Invitae), Labcorp
Classification: Likely benign for Pityriasis rubra pilaris; Psoriasis 2. Last evaluated: 2026-01-12. Review status: criteria provided, single submitter. Criteria: Invitae Variant Classification Sherloc (09022015). Collection method: clinical testing. Allele origin: germline.

Blueprint Genetics
Classification: Likely benign. Last evaluated: 2024-10-11. Review status: criteria provided, single submitter. Criteria: ACMG Guidelines, 2015. Collection method: clinical testing. Allele origin: germline.

Mayo Clinic Laboratories, Mayo Clinic
Classification: Uncertain significance. Last evaluated: 2022-05-11. Review status: criteria provided, single submitter. Criteria: ACMG Guidelines, 2015. Collection method: clinical testing. Allele origin: germline. Observed: 2 variant alleles.
Comment: BP4

Genome Diagnostics Laboratory, The Hospital for Sick Children
Classification: Uncertain significance for Autoinflammatory syndrome. Last evaluated: 2021-08-13. Review status: criteria provided, single submitter. Criteria: ACMG Guidelines, 2015. Collection method: clinical testing. Allele origin: germline. Affected: yes.

GeneDx
Classification: Uncertain significance. Last evaluated: 2016-05-23. Review status: criteria provided, single submitter. Criteria: GeneDx Variant Classification (06012015). Collection method: clinical testing. Allele origin: germline. Affected: yes.
Comment: The E197K variant in the CARD14 gene has been reported previously in one study in 7/282 individuals with psoriasis, with functional studies demonstrating that E197K results in significant upregulation of NF-kB activity (Ammar et al., 2016). However, this variant was also present in 1/192 unaffected controls in this study (Ammar et al., 2016), and in 3/932 unaffected German controls in a study of individuals with psoriasis (Mossner et al., 2015). This variant was not observed at any significant frequency in approximately 6500 individuals of European and African American ancestry in the NHLBI Exome Sequencing Project, indicating it is not a common benign variant in these populations. The E197L variant is a non-conservative amino acid substitution, and occurs at a position that is conserved across species. However, in silico analysis is inconsistent in its predictions as to whether or not the variant is damaging to the protein structure/function. We interpret E197L as a variant of uncertain significance.

Literature cited by the submitters: PubMed 33258288 (cited by Women's Health and Genetics/Laboratory Corporation of America, LabCorp); PubMed 26358359 (cited by Women's Health and Genetics/Laboratory Corporation of America, LabCorp); PubMed 36174714 (cited by Women's Health and Genetics/Laboratory Corporation of America, LabCorp).

NM_001366385.1(CARD14):c.589G>A (p.Glu197Lys)

Gene: CARD14 (caspase recruitment domain family member 14; plus strand). Cytogenetic location: 17q25.3.
Variant type: single nucleotide variant.
Coding change: c.589G>A on transcript NM_001366385.1 (MANE Select); coding-DNA position 589, G replaced by A.
Protein change: p.Glu197Lys; replaces glutamic acid 197 with lysine.
Molecular consequence: missense variant. On other transcripts: non-coding transcript variant (1).
Genome position (GRCh38, 1-based): chr17:80,184,152, G>A. VCF-style: chr17-80184152-G-A. GRCh37 (hg19) VCF-style: chr17-78157951-G-A.
Other names: p.Glu197Lys; c.589G>A, p.Glu197Lys (NM_024110.4, NM_001257970.1); short protein forms E197K.
Identifiers: ClinVar variation 420946 (VCV000420946.21), dbSNP rs200790561, ClinGen allele CA8816452.